The following is an entry in ClinVar:

NM_001134407.3(GRIN2A):c.1329-28_1329-5del

Gene: GRIN2A (glutamate ionotropic receptor NMDA type subunit 2A; minus strand). Cytogenetic location: 16p13.2.
Variant type: Deletion.
Coding change: c.1329-28_1329-5del on transcript NM_001134407.3 (MANE Select); 28 bases into the intron before coding-DNA position 1329 through 5 bases into the intron before coding-DNA position 1329, 24 bases deleted (TCTGTGGTCTTGGGGTTTTTCTTT).
Molecular consequence: intron variant.
Genome position (GRCh38, 1-based): chr16:9,841,109-9,841,132, AAAGAAAAACCCCAAGACCACAGA deleted on the plus strand (TCTGTGGTCTTGGGGTTTTTCTTT on the coding strand, the reverse complement: GRIN2A is on the minus strand); deleting any 24 consecutive bases within chr16:9,841,109-9,841,133 gives the same sequence; the c. name uses the placement nearest the transcript's 3' end. VCF-style (leftmost placement, unchanged base first): chr16-9841108-TAAAGAAAAACCCCAAGACCACAGA-T. GRCh37 (hg19) VCF-style: chr16-9934965-TAAAGAAAAACCCCAAGACCACAGA-T.
Other names: c.1329-28_1329-5del (NM_001134408.2, NM_000833.5).
Identifiers: ClinVar variation 3369242 (VCV003369242.1).

ClinVar aggregate classification (germline): Uncertain significance (1 of 4 stars; one submission).

Submission:

GeneDx
Classification: Uncertain significance. Last evaluated: 2024-02-14. Review status: criteria provided, single submitter. Criteria: GeneDx Variant Classification Process June 2021. Collection method: clinical testing. Allele origin: germline. Affected: yes.
Comment: Not observed at significant frequency in large population cohorts (gnomAD); In silico analysis supports a deleterious effect on splicing; Has not been previously published as pathogenic or benign to our knowledge